The following is an entry in ClinVar:

NM_021942.6(TRAPPC11):c.2084C>T (p.Thr695Met)

Gene: TRAPPC11 (trafficking protein particle complex subunit 11; plus strand). Cytogenetic location: 4q35.1.
Variant type: single nucleotide variant.
Coding change: c.2084C>T on transcript NM_021942.6 (MANE Select); coding-DNA position 2084, C replaced by T.
Protein change: p.Thr695Met; replaces threonine 695 with methionine.
Molecular consequence: missense variant.
Genome position (GRCh38, 1-based): chr4:183,692,994, C>T. VCF-style: chr4-183692994-C-T. GRCh37 (hg19) VCF-style: chr4-184614147-C-T.
Other names: c.2084C>T (NM_021942.4); c.2084C>T, p.Thr695Met (NM_199053.3); short protein forms T695M.
Identifiers: ClinVar variation 541343 (VCV000541343.7), dbSNP rs759325090, ClinGen allele CA3152103.

ClinVar aggregate classification (germline): Conflicting classifications of pathogenicity. Review status: criteria provided, conflicting classifications (1 of 4 stars). 3 submissions from 3 submitters: Uncertain significance (2); Likely benign (1). Last evaluated 2025-08-25.

Conditions:
Autosomal recessive limb-girdle muscular dystrophy type R18 (LGMDR18). Also called: Autosomal recessive limb-girdle muscular dystrophy type 2S; Limb-girdle muscular dystrophy, type 2S; MUSCULAR DYSTROPHY, LIMB-GIRDLE, AUTOSOMAL RECESSIVE 18. Identifiers: Orphanet 369840, MedGen C4517996, MONDO:0014144, OMIM 615356.
Inborn genetic diseases. Identifiers: MedGen C0950123, MeSH D030342.

Allele frequency attached by ClinVar (database versions not stated): gnomAD 0.00004; TOPMed 0.00004; gnomAD exomes 0.00005 and 0.00006; ExAC 0.00010.
gnomAD v4.1: 90 of 1,612,476 alleles (0.0056%); highest among the groups gnomAD compares: Non-Finnish European, 0.0062%; no homozygotes.

Submissions (3):

Ambry Genetics
Classification: Likely benign for Inborn genetic diseases. Last evaluated: 2025-08-25. Review status: criteria provided, single submitter. Criteria: Ambry Variant Classification Scheme 2023. Collection method: clinical testing. Allele origin: germline.

Labcorp Genetics (formerly Invitae), Labcorp
Classification: Uncertain significance for Autosomal recessive limb-girdle muscular dystrophy type R18. Last evaluated: 2022-08-13. Review status: criteria provided, single submitter. Criteria: Invitae Variant Classification Sherloc (09022015). Collection method: clinical testing. Allele origin: germline.
Comment: This sequence change replaces threonine, which is neutral and polar, with methionine, which is neutral and non-polar, at codon 695 of the TRAPPC11 protein (p.Thr695Met). This variant is present in population databases (rs759325090, gnomAD 0.01%). This variant has not been reported in the literature in individuals affected with TRAPPC11-related conditions. ClinVar contains an entry for this variant (Variation ID: 541343). Algorithms developed to predict the effect of missense changes on protein structure and function output the following: SIFT: "Tolerated"; PolyPhen-2: "Benign"; Align-GVGD: "Class C0". The methionine amino acid residue is found in multiple mammalian species, which suggests that this missense change does not adversely affect protein function. In summary, the available evidence is currently insufficient to determine the role of this variant in disease. Therefore, it has been classified as a Variant of Uncertain Significance.

Revvity Omics, Revvity
Classification: Uncertain significance for Autosomal recessive limb-girdle muscular dystrophy type R18. Last evaluated: 2019-05-03. Review status: criteria provided, single submitter. Criteria: ACMG Guidelines, 2015. Collection method: clinical testing. Allele origin: germline.